The following is an entry in ClinVar:

NM_002691.4(POLD1):c.410_413del (p.Val137fs)

Gene: POLD1 (DNA polymerase delta 1, catalytic subunit; plus strand). Cytogenetic location: 19q13.33.
Variant type: Microsatellite.
Coding change: c.410_413del on transcript NM_002691.4 (MANE Select); coding-DNA positions 410 to 413, 4 bases deleted (TCTG; older notation c.410_413delTCTG).
Protein change: p.Val137fs; shifts the reading frame from valine 137.
Molecular consequence: frameshift variant. On other transcripts: non-coding transcript variant (1).
Genome position (GRCh38, 1-based): chr19:50,401,871-50,401,874, TCTG deleted; deleting any 4 consecutive bases within chr19:50,401,867-50,401,874 gives the same sequence; the c. name uses the placement nearest the transcript's 3' end. VCF-style (leftmost placement, unchanged base first): chr19-50401866-CTCTG-C. GRCh37 (hg19) VCF-style: chr19-50905123-CTCTG-C.
Other names: c.410_413del, p.Val137fs (NM_001256849.1, NM_001308632.1); c.410_413delTCTG (NM_002691.2); short protein forms V137fs.
Identifiers: ClinVar variation 949585 (VCV000949585.12), dbSNP rs2038649098, ClinGen allele CA2340882457.

ClinVar aggregate classification (germline): Uncertain significance. Review status: criteria provided, multiple submitters, no conflicts (2 of 4 stars). 4 submissions from 4 submitters: Uncertain significance (4). Last evaluated 2025-09-02.

Conditions:
POLD1-related polyposis and colorectal cancer syndrome (CRCS10). Also called: Colorectal cancer 10; COLORECTAL CANCER, SUSCEPTIBILITY TO, ON CHROMOSOME 19q; Colorectal cancer, susceptibility to, 10. Identifiers: Orphanet 220460, MedGen C2675481, MONDO:0012953, OMIM 612591.
Hereditary cancer-predisposing syndrome. Also called: Hereditary neoplastic syndrome; Tumor predisposition; Neoplastic Syndromes, Hereditary; Hereditary Cancer Syndrome. Identifiers: Orphanet 140162, MedGen C0027672, MeSH D009386, MONDO:0015356.
Familial colorectal cancer type X. Identifiers: Orphanet 440437, MedGen C3896578, MONDO:0018604.
Polymerase proofreading-related adenomatous polyposis. Also called: Polymerase proofreading associated polyposis; Polymerase proofreading–associated polyposis (PPAP). Identifiers: Orphanet 447877, MedGen C5202613, MONDO:0018653.

Submissions (4):

Ambry Genetics
Classification: Uncertain significance for Hereditary cancer-predisposing syndrome. Last evaluated: 2025-09-02. Review status: criteria provided, single submitter. Criteria: Ambry Variant Classification Scheme 2023. Collection method: clinical testing. Allele origin: germline.
Comment: The c.410_413delTCTG variant, located in coding exon 3 of the POLD1 gene, results from a deletion of 4 nucleotides at nucleotide positions 410 to 413, causing a translational frameshift with a predicted alternate stop codon (p.V137Afs*31). This alteration is expected to result in protein truncation or nonsense-mediated mRNA decay. However, loss of function of POLD1 has not been established as a mechanism of disease. Based on the available evidence, the clinical significance of this alteration remains unclear.

Labcorp Genetics (formerly Invitae), Labcorp
Classification: Uncertain significance for POLD1-related polyposis and colorectal cancer syndrome. Last evaluated: 2024-07-30. Review status: criteria provided, single submitter. Criteria: Invitae Variant Classification Sherloc (09022015). Collection method: clinical testing. Allele origin: germline.
Comment: This sequence change creates a premature translational stop signal (p.Val137Alafs*31) in the POLD1 gene. Missense variants that disrupt the 3'-5' exonuclease (proof-reading) activity of the POLD1 protein are associated with PPAP (polymerase proofreading–associated polyposis) (PMID: 23263490, 23447401). However, loss-of-function variants that result in an absent or severely disrupted POLD1 protein, and missense variants outside the exonuclease domain, are unlikely to be associated with PPAP. This variant is not present in population databases (gnomAD no frequency). This variant has not been reported in the literature in individuals affected with POLD1-related conditions. ClinVar contains an entry for this variant (Variation ID: 949585). In summary, the available evidence is currently insufficient to determine the role of this variant in disease. Therefore, it has been classified as a Variant of Uncertain Significance.

Department of Pathology and Laboratory Medicine, Sinai Health System
Classification: Uncertain significance for Polymerase proofreading-related adenomatous polyposis; Familial colorectal cancer type X. Last evaluated: 2023-03-28. Review status: criteria provided, single submitter. Criteria: ACMG Guidelines, 2015. Collection method: clinical testing. Allele origin: germline. Affected: yes.

Genetic Services Laboratory, University of Chicago
Classification: Uncertain significance. Last evaluated: 2019-10-14. Review status: criteria provided, single submitter. Criteria: ACMG Guidelines, 2015. Collection method: clinical testing. Allele origin: germline. Affected: no.

Literature cited by the submitters: PubMed 23263490 (cited by Labcorp Genetics (formerly Invitae), Labcorp); PubMed 23447401 (cited by Labcorp Genetics (formerly Invitae), Labcorp).